The following is an entry in ClinVar:

ClinVar aggregate classification (germline): Uncertain significance (1 of 4 stars; one submission).

Conditions:
PKHD1-related disorder. Also called: PKHD1-related condition.

Allele frequency attached by ClinVar (database versions not stated): TOPMed below 0.00001; gnomAD 0.00001.
gnomAD v4.1: 2 of 1,614,080 alleles (0.00012%); highest among the groups gnomAD compares: African/African-American, 0.0027%; no homozygotes.

Submission:

PreventionGenetics, part of Exact Sciences
Classification: Uncertain significance for PKHD1-related condition. Last evaluated: 2023-09-06. Review status: criteria provided, single submitter. Criteria: ACMG Guidelines, 2015. Collection method: clinical testing. Allele origin: germline.
Comment: The PKHD1 c.3538G>A variant is predicted to result in the amino acid substitution p.Gly1180Arg. To our knowledge, this variant has not been reported in the literature or in a large population database, indicating this variant is rare. Alternative variant at this codon p.Gly1180Glu has been observed in homozygous state in an individual with cystic kidney disease (Al-Hamed et al. 2016. PubMed ID: 26862157). At this time, the clinical significance of this variant is uncertain due to the absence of conclusive functional and genetic evidence.

NM_138694.4(PKHD1):c.3538G>A (p.Gly1180Arg)

Gene: PKHD1 (PKHD1 ciliary IPT domain containing fibrocystin/polyductin; minus strand). Cytogenetic location: 6p12.2.
Variant type: single nucleotide variant.
Coding change: c.3538G>A on transcript NM_138694.4 (MANE Select); coding-DNA position 3538, G replaced by A.
Protein change: p.Gly1180Arg; replaces glycine 1180 with arginine.
Molecular consequence: missense variant.
Genome position (GRCh38, 1-based): chr6:52,028,178, C>T on the plus strand (G>A on the coding strand, the complement: PKHD1 is on the minus strand). VCF-style: chr6-52028178-C-T. GRCh37 (hg19) VCF-style: chr6-51892976-C-T.
Other names: c.3538G>A, p.Gly1180Arg (NM_170724.3); short protein forms G1180R.
Identifiers: ClinVar variation 2630982 (VCV002630982.1), dbSNP rs1802508215, ClinGen allele CA364440286.